The following is an entry in ClinVar:

NM_001042492.3(NF1):c.3314+2T>C

Gene: NF1 (neurofibromin 1; plus strand). Cytogenetic location: 17q11.2.
Variant type: single nucleotide variant.
Coding change: c.3314+2T>C on transcript NM_001042492.3 (MANE Select); the canonical splice donor site of the intron after coding-DNA position 3314, T replaced by C.
Molecular consequence: splice donor variant.
Genome position (GRCh38, 1-based): chr17:31,232,191, T>C. VCF-style: chr17-31232191-T-C. GRCh37 (hg19) VCF-style: chr17-29559209-T-C.
Other names: c.3314+2T>C (NM_000267.4).
Identifiers: ClinVar variation 1918167 (VCV001918167.5), dbSNP rs863224445, ClinGen allele CA398988948.
Genomic context (GRCh38, chr17:31,232,191, plus strand): 5'-CAGCCTGAAGAAGGAGATGGTGTGGAATTGATGGAAGCCAAATCACAGTTATTTCTTAAG[T>C]AAATTTCAGTCACCAAAAAACATAAAGCAAAAAGCAAATAAAGCCCCCCACCACACAAAA-3'

ClinVar aggregate classification (germline): Pathogenic (1 of 4 stars; one submission).

Conditions:
Neurofibromatosis, type 1 (NF1). Also called: Peripheral type neurofibromatosis; Neurofibromatosis, type I; NEUROFIBROMATOSIS, TYPE I, SOMATIC; VON RECKLINGHAUSEN DISEASE. Identifiers: Orphanet 636, MedGen C0027831, MONDO:0018975, OMIM 162200. Disease mechanism: loss of function.

Submission:

Labcorp Genetics (formerly Invitae), Labcorp
Classification: Pathogenic for Neurofibromatosis, type 1. Last evaluated: 2023-03-30. Review status: criteria provided, single submitter. Criteria: Invitae Variant Classification Sherloc (09022015). Collection method: clinical testing. Allele origin: germline.
Comment: ClinVar contains an entry for this variant (Variation ID: 1918167). For these reasons, this variant has been classified as Pathogenic. Algorithms developed to predict the effect of sequence changes on RNA splicing suggest that this variant may disrupt the consensus splice site. Disruption of this splice site has been observed in individual(s) with neurofibromatosis type 1 (PMID: 31443423). This variant is not present in population databases (gnomAD no frequency). This sequence change affects a donor splice site in intron 25 of the NF1 gene. It is expected to disrupt RNA splicing. Variants that disrupt the donor or acceptor splice site typically lead to a loss of protein function (PMID: 16199547), and loss-of-function variants in NF1 are known to be pathogenic (PMID: 10712197, 23913538).

Literature cited by the submitters: PubMed 31443423; PubMed 16199547; PubMed 10712197; PubMed 23913538.